The following is an entry in ClinVar:

ClinVar aggregate classification (germline): Likely benign (1 of 4 stars; one submission).

gnomAD v4.1: 183 of 1,614,022 alleles (0.011%); highest among the groups gnomAD compares: Middle Eastern, 0.082%; no homozygotes.

Submission:

CeGaT Center for Human Genetics Tuebingen
Classification: Likely benign. Last evaluated: 2026-02-01. Review status: criteria provided, single submitter. Criteria: CeGaT Center For Human Genetics Tuebingen Variant Classification Criteria Version 2. Collection method: clinical testing. Allele origin: germline. Affected: yes. Observed: 1 variant allele.
Comment: WLS: BP4, BP7

NM_024911.7(WLS):c.324A>G (p.Gln108=)

Genes: GNG12-AS1 (GNG12, DIRAS3 and WLS antisense RNA 1; plus strand), WLS (Wnt ligand secretion mediator; minus strand). Cytogenetic location: 1p31.3.
Variant type: single nucleotide variant.
Coding change: c.324A>G on transcript NM_024911.7 (MANE Select); coding-DNA position 324, A replaced by G.
Protein change: p.Gln108=; no amino-acid change (glutamine 108 retained).
Molecular consequence: synonymous variant. On other transcripts: intron variant (1).
Genome position (GRCh38, 1-based): chr1:68,194,010, T>C on the plus strand (A>G on the coding strand, the complement: WLS is on the minus strand). VCF-style: chr1-68194010-T-C. GRCh37 (hg19) VCF-style: chr1-68659693-T-C.
Other names: c.318A>G, p.Gln106= (NM_001002292.4); c.107-34763A>G (NM_001193334.1).
Identifiers: ClinVar variation 4821141 (VCV004821141.4).